The following is an entry in ClinVar:

ClinVar aggregate classification (germline): Uncertain significance (1 of 4 stars; one submission).

Conditions:
Combined immunodeficiency with skin granulomas. Identifiers: Orphanet 157949, MedGen C2673536, MONDO:0009306, OMIM 233650.
Severe combined immunodeficiency, autosomal recessive, T cell-negative, B cell-negative, NK cell-positive. Also called: SCID, AR, T-cell negative, B-cell negative, NK cell-positive; SCID, T CELL-NEGATIVE, B CELL-NEGATIVE, NK CELL-POSITIVE; Severe combined immunodeficiency due to complete RAG1/2 deficiency. Identifiers: Orphanet 331206, MedGen C1832322, MONDO:0011086, OMIM 601457.

Allele frequency attached by ClinVar (database versions not stated): gnomAD exomes 0.00001; TOPMed 0.00001.
gnomAD v4.1: 21 of 1,614,186 alleles (0.0013%); highest among the groups gnomAD compares: Non-Finnish European, 0.0017%; no homozygotes.

Submission:

Labcorp Genetics (formerly Invitae), Labcorp
Classification: Uncertain significance for Combined immunodeficiency with skin granulomas; Severe combined immunodeficiency, autosomal recessive, T cell-negative, B cell-negative, NK cell-positive. Last evaluated: 2021-09-10. Review status: criteria provided, single submitter. Criteria: Invitae Variant Classification Sherloc (09022015). Collection method: clinical testing. Allele origin: germline.
Comment: In summary, the available evidence is currently insufficient to determine the role of this variant in disease. Therefore, it has been classified as a Variant of Uncertain Significance. Algorithms developed to predict the effect of missense changes on protein structure and function output the following: SIFT: "Deleterious"; PolyPhen-2: "Benign"; Align-GVGD: "Class C0". The serine amino acid residue is found in multiple mammalian species, which suggests that this missense change does not adversely affect protein function. This variant has not been reported in the literature in individuals affected with RAG2-related conditions. This variant is not present in population databases (ExAC no frequency). This sequence change replaces asparagine with serine at codon 295 of the RAG2 protein (p.Asn295Ser). The asparagine residue is moderately conserved and there is a small physicochemical difference between asparagine and serine.

NM_000536.4(RAG2):c.884A>G (p.Asn295Ser)

Gene: RAG2 (recombination activating 2; minus strand). Cytogenetic location: 11p12.
Variant type: single nucleotide variant.
Coding change: c.884A>G on transcript NM_000536.4 (MANE Select); coding-DNA position 884, A replaced by G.
Protein change: p.Asn295Ser; replaces asparagine 295 with serine.
Molecular consequence: missense variant.
Genome position (GRCh38, 1-based): chr11:36,593,285, T>C on the plus strand (A>G on the coding strand, the complement: RAG2 is on the minus strand). VCF-style: chr11-36593285-T-C. GRCh37 (hg19) VCF-style: chr11-36614835-T-C.
Other names: c.884A>G, p.Asn295Ser (NM_001243785.2, NM_001243786.2); short protein forms N295S.
Identifiers: ClinVar variation 964725 (VCV000964725.5), dbSNP rs770231022, ClinGen allele CA220579809.